The following is an entry in ClinVar:

NM_000059.4(BRCA2):c.6282T>A (p.Tyr2094Ter)

Gene: BRCA2 (BRCA2 DNA repair associated; plus strand). Cytogenetic location: 13q13.1.
Variant type: single nucleotide variant.
Coding change: c.6282T>A on transcript NM_000059.4 (MANE Select); coding-DNA position 6282, T replaced by A.
Protein change: p.Tyr2094Ter; replaces tyrosine 2094 with a stop codon.
Molecular consequence: nonsense.
Genome position (GRCh38, 1-based): chr13:32,340,637, T>A. VCF-style: chr13-32340637-T-A. GRCh37 (hg19) VCF-style: chr13-32914774-T-A.
Other names: short protein forms Y2094*.
Identifiers: ClinVar variation 573847 (VCV000573847.7), dbSNP rs1566234249, ClinGen allele CA387788994.

ClinVar aggregate classification (germline): Pathogenic (1 of 4 stars; one submission).

Conditions:
Hereditary breast ovarian cancer syndrome. Also called: BRCA1- and BRCA2-Associated Hereditary Breast and Ovarian Cancer; Hereditary breast and ovarian cancer; Hereditary breast and/or ovarian cancer syndrome; Hereditary breast and ovarian cancer syndrome; Hereditary breast and ovarian cancer syndrome (HBOC); Breast and ovarian cancer. Identifiers: Orphanet 145, MedGen C0677776, MeSH D061325, MONDO:0003582. Disease mechanism: loss of function.

Submission:

Labcorp Genetics (formerly Invitae), Labcorp
Classification: Pathogenic for Hereditary breast ovarian cancer syndrome. Last evaluated: 2018-04-16. Review status: criteria provided, single submitter. Criteria: Invitae Variant Classification Sherloc (09022015). Collection method: clinical testing. Allele origin: germline.
Comment: This sequence change creates a premature translational stop signal (p.Tyr2094*) in the BRCA2 gene. It is expected to result in an absent or disrupted protein product. This variant is not present in population databases (ExAC no frequency). This variant has not been reported in the literature in individuals with BRCA2-related disease. Loss-of-function variants in BRCA2 are known to be pathogenic (PMID: 20104584). For these reasons, this variant has been classified as Pathogenic.

Literature cited by the submitters: PubMed 20104584.